The following is an entry in ClinVar:

NM_000191.3(HMGCL):c.230del (p.Val77fs)

Gene: HMGCL (3-hydroxy-3-methylglutaryl-CoA lyase; minus strand). Cytogenetic location: 1p36.11.
Variant type: Deletion.
Coding change: c.230del on transcript NM_000191.3 (MANE Select); coding-DNA position 230, one base deleted (T; older notation c.230delT).
Protein change: p.Val77fs; shifts the reading frame from valine 77.
Molecular consequence: frameshift variant.
Genome position (GRCh38, 1-based): chr1:23,817,498, A deleted on the plus strand (T on the coding strand, the reverse complement: HMGCL is on the minus strand). VCF-style (leftmost placement, unchanged base first): chr1-23817497-CA-C. GRCh37 (hg19) VCF-style: chr1-24143987-CA-C.
Other names: c.230delT (NM_000191.2); c.230del, p.Val77fs (NM_001166059.2); short protein forms V77fs.
Identifiers: ClinVar variation 1685878 (VCV001685878.9), dbSNP rs1638632303, ClinGen allele CA1158968092.

ClinVar aggregate classification (germline): Pathogenic/Likely pathogenic. Review status: criteria provided, multiple submitters, no conflicts (2 of 4 stars). 8 submissions from 8 submitters: Pathogenic (4); Likely pathogenic (4). Last evaluated 2026-04-17.

Conditions:
Long chain 3-hydroxyacyl-CoA dehydrogenase deficiency. Also called: Deficiency of long-chain 3-hydroxyacyl-coenzyme A dehydrogenase; LCHAD Deficiency. Identifiers: Orphanet 5, MedGen C3711645, MONDO:0012173, OMIM 609016.
Deficiency of hydroxymethylglutaryl-CoA lyase (HMGCLD). Also called: HMGCL DEFICIENCY; HYDROXYMETHYLGLUTARIC ACIDURIA; Defect in leucine metabolism; 3-hydroxy-3-methylglutaric aciduria; HMG-CoA LYASE DEFICIENCY. Identifiers: Orphanet 20, MedGen C1533587, MONDO:0009520, OMIM 246450.

Allele frequency attached by ClinVar (database versions not stated): TOPMed below 0.00001.

Submissions (8):

Dasa
Classification: Pathogenic. Last evaluated: 2026-04-17. Review status: criteria provided, single submitter. Criteria: DASA Assertion Criteria. Collection method: clinical testing. Allele origin: germline.
Comment: NM_000191.3(HMGCL):c.230del (p.Val77Glyfs*16) introduces a premature termination codon predicted to result in loss of normal protein function. Loss-of-function is an established mechanism of disease for this gene. This variant has been reported in an affected individual with related phenotype in a genotype context consistent with recessive disease (PMID: 39519275). The variant is present at low frequency in population datasets. Based on the available data, this variant is classified as pathogenic.

Natera, Inc.
Classification: Likely pathogenic for Deficiency of long-chain 3-hydroxyacyl-coenzyme A dehydrogenase. Last evaluated: 2024-04-15. Review status: criteria provided, single submitter. Criteria: Natera Variant Classification Schema (03/2026). Collection method: clinical testing. Allele origin: germline.
Comment: The c.230delT variant in HMGCL is a frameshift variant predicted to shift the reading frame beginning at codon 77 and leads to a stop codon 16 codons downstream. This variant is expected to result in nonsense mediated decay, truncation, or a dysfunctional protein product. This variant is rare in the general population with a frequency below the threshold expected for the associated phenotype(s). Given the available evidence, this variant is classified as Likely Pathogenic.

Labcorp Genetics (formerly Invitae), Labcorp
Classification: Pathogenic for Deficiency of hydroxymethylglutaryl-CoA lyase. Last evaluated: 2024-03-28. Review status: criteria provided, single submitter. Criteria: Invitae Variant Classification Sherloc (09022015). Collection method: clinical testing. Allele origin: germline.
Comment: This sequence change creates a premature translational stop signal (p.Val77Glyfs*16) in the HMGCL gene. It is expected to result in an absent or disrupted protein product. Loss-of-function variants in HMGCL are known to be pathogenic (PMID: 9817922, 17692550, 23465862). This variant is not present in population databases (gnomAD no frequency). This variant has not been reported in the literature in individuals affected with HMGCL-related conditions. ClinVar contains an entry for this variant (Variation ID: 1685878). For these reasons, this variant has been classified as Pathogenic.

Fulgent Genetics
Classification: Likely pathogenic for Deficiency of hydroxymethylglutaryl-CoA lyase. Last evaluated: 2024-03-06. Review status: criteria provided, single submitter. Criteria: ACMG Guidelines, 2015. Collection method: clinical testing. Allele origin: germline.

3billion
Classification: Pathogenic for Deficiency of hydroxymethylglutaryl-CoA lyase. Last evaluated: 2023-09-04. Review status: criteria provided, single submitter. Criteria: ACMG Guidelines, 2015. Collection method: clinical testing. Allele origin: germline. Affected: yes.
Comment: The variant is not observed in the gnomAD v2.1.1 dataset. Predicted Consequence/Location: Frameshift: predicted to result in a loss or disruption of normal protein function through nonsense-mediated decay (NMD) or protein truncation. Multiple pathogenic variants are reported downstream of the variant. The variant has been reported at least twice as pathogenic with clinical assertions and evidence for the classification (ClinVar ID: VCV001685878). Therefore, this variant is classified as Pathogenic according to the recommendation of ACMG/AMP guideline.

Genome-Nilou Lab
Classification: Likely pathogenic for Deficiency of hydroxymethylglutaryl-CoA lyase. Last evaluated: 2023-04-11. Review status: criteria provided, single submitter. Criteria: ACMG Guidelines, 2015. Collection method: clinical testing. Allele origin: germline. Affected: no.

Women's Health and Genetics/Laboratory Corporation of America, LabCorp
Classification: Likely pathogenic for Deficiency of hydroxymethylglutaryl-CoA lyase. Last evaluated: 2023-04-04. Review status: criteria provided, single submitter. Criteria: LabCorp Variant Classification Summary - May 2015. Collection method: clinical testing. Allele origin: germline.
Comment: Variant summary: HMGCL c.230delT (p.Val77GlyfsX16) results in a premature termination codon, predicted to cause a truncation of the encoded protein or absence of the protein due to nonsense mediated decay, which are commonly known mechanisms for disease. Truncations downstream of this position have been classified as pathogenic by our laboratory. The variant was absent in 251456 control chromosomes (gnomAD). To our knowledge, no occurrence of c.230delT in individuals affected with HMG-CoA Lyase Deficiency and no experimental evidence demonstrating its impact on protein function have been reported. One clinical diagnostic laboratory has submitted clinical-significance assessments for this variant to ClinVar after 2014 and classified the variant as pathogenic. Based on the evidence outlined above, the variant was classified as likely pathogenic.

Mendelics
Classification: Pathogenic for Deficiency of hydroxymethylglutaryl-CoA lyase. Last evaluated: 2022-05-04. Review status: criteria provided, single submitter. Criteria: Mendelics Assertion Criteria 2019. Collection method: clinical testing. Allele origin: germline.

Literature cited by the submitters: PubMed 39519275 (cited by Dasa); PubMed 9817922 (cited by Labcorp Genetics (formerly Invitae), Labcorp); PubMed 17692550 (cited by Labcorp Genetics (formerly Invitae), Labcorp); PubMed 23465862 (cited by Labcorp Genetics (formerly Invitae), Labcorp).